The following is an entry in ClinVar:

NM_003482.4(KMT2D):c.10741-7A>G

Gene: KMT2D (lysine methyltransferase 2D; minus strand). Cytogenetic location: 12q13.12.
Variant type: single nucleotide variant.
Coding change: c.10741-7A>G on transcript NM_003482.4 (MANE Select); 7 bases into the intron before coding-DNA position 10741, A replaced by G.
Molecular consequence: intron variant.
Genome position (GRCh38, 1-based): chr12:49,033,971, T>C on the plus strand (A>G on the coding strand, the complement: KMT2D is on the minus strand). VCF-style: chr12-49033971-T-C. GRCh37 (hg19) VCF-style: chr12-49427754-T-C.
Identifiers: ClinVar variation 309033 (VCV000309033.17), dbSNP rs550510739, ClinGen allele CA6546437.

ClinVar aggregate classification (germline): Conflicting classifications of pathogenicity. Review status: criteria provided, conflicting classifications (1 of 4 stars). 5 submissions from 5 submitters: Uncertain significance (1); Benign (2); Likely benign (1). 1 of the submissions does not count toward it. Last evaluated 2025-10-16.

Conditions:
Kabuki syndrome. Also called: NIIKAWA-KUROKI SYNDROME; Kabuki make-up syndrome. Identifiers: Orphanet 2322, MedGen C0796004, MONDO:0016512.
KMT2D-related disorder. Also called: KMT2D-Related Disorders.

Allele frequency attached by ClinVar (database versions not stated): gnomAD exomes 0.00003 and 0.00017; gnomAD 0.00004 and 0.00006; TOPMed 0.00006; 1000 Genomes Project 30x 0.00016; 1000 Genomes Project 0.00020; ExAC 0.00024.
gnomAD v4.1: 53 of 1,536,430 alleles (0.0034%); highest among the groups gnomAD compares: East Asian, 0.093%; no homozygotes.

Submissions (5):

Labcorp Genetics (formerly Invitae), Labcorp
Classification: Benign for Kabuki syndrome. Last evaluated: 2025-10-16. Review status: criteria provided, single submitter. Criteria: Invitae Variant Classification Sherloc (09022015). Collection method: clinical testing. Allele origin: germline.

ARUP Laboratories, Molecular Genetics and Genomics, ARUP Laboratories
Classification: Benign. Last evaluated: 2024-08-16. Review status: criteria provided, single submitter. Criteria: ARUP Molecular Germline Variant Investigation Process 2024. Collection method: clinical testing. Allele origin: germline.

Blueprint Genetics
Classification: Likely benign. Last evaluated: 2023-01-26. Review status: criteria provided, single submitter. Criteria: ACMG Guidelines, 2015. Collection method: clinical testing. Allele origin: germline.

Eurofins Ntd Llc (ga)
Classification: Uncertain significance. Last evaluated: 2016-09-27. Review status: criteria provided, single submitter. Criteria: EGL Classification Definitions 2015. Collection method: clinical testing. Allele origin: germline. Observed: 1 variant allele, 1 heterozygote.

PreventionGenetics, part of Exact Sciences
Classification: Likely benign for KMT2D-related condition. Last evaluated: 2023-09-29. Review status: no assertion criteria provided. Collection method: clinical testing. Allele origin: germline. Not counted in ClinVar's aggregate classification.
Comment: This variant is classified as likely benign based on ACMG/AMP sequence variant interpretation guidelines (Richards et al. 2015 PMID: 25741868, with internal and published modifications).